The following is an entry in ClinVar:

NC_000014.8:g.(?_23897689)_(23899142_?)del

Gene: MYH7 (myosin heavy chain 7; minus strand). Cytogenetic location: 14q11.2.
Variant type: Deletion.
Identifiers: ClinVar variation 2422692 (VCV002422692.4).

ClinVar aggregate classification (germline): Uncertain significance (1 of 4 stars; one submission).

Conditions:
Hypertrophic cardiomyopathy. Also called: HYPERTROPHIC MYOCARDIOPATHY. Identifiers: Orphanet 217569, MedGen C0007194, MeSH D002312, MONDO:0005045, HP:0001639.

Submission:

Labcorp Genetics (formerly Invitae), Labcorp
Classification: Uncertain significance for Hypertrophic cardiomyopathy. Last evaluated: 2022-09-25. Review status: criteria provided, single submitter. Criteria: Invitae Variant Classification Sherloc (09022015). Collection method: clinical testing. Allele origin: germline.
Comment: In summary, the available evidence is currently insufficient to determine the role of this variant in disease. Therefore, it has been classified as a Variant of Uncertain Significance. Experimental studies and prediction algorithms are not available or were not evaluated, and the functional significance of this variant is currently unknown. This variant has not been reported in the literature in individuals affected with MYH7-related conditions. This variant is a gross deletion of the genomic region encompassing exon(s) 12-15 of the MYH7 gene. This variant would be expected to be in-frame, preserving the integrity of the reading frame.